The following is an entry in ClinVar:

ClinVar aggregate classification (germline): Likely benign. Review status: criteria provided, single submitter (1 of 4 stars). 2 submissions from 2 submitters: Likely benign (1). 1 of the submissions does not count toward it. Last evaluated 2019-11-25.

Conditions:
BRCA2-related disorder. Also called: BRCA2-related condition; BRCA2-related disorders. Identifiers: MedGen CN239275.

Allele frequency attached by ClinVar (database versions not stated): gnomAD exomes 0.00002; ExAC 0.00001; TOPMed 0.00002.

Submissions (2):

ARUP Laboratories, Molecular Genetics and Genomics, ARUP Laboratories
Classification: Likely benign. Last evaluated: 2019-11-25. Review status: criteria provided, single submitter. Criteria: ARUP Molecular Germline Variant Investigation Process. Collection method: clinical testing. Allele origin: germline.

PreventionGenetics, part of Exact Sciences
Classification: Likely benign for BRCA2-related condition. Last evaluated: 2022-04-11. Review status: no assertion criteria provided. Collection method: clinical testing. Allele origin: germline. Not counted in ClinVar's aggregate classification.
Comment: This variant is classified as likely benign based on ACMG/AMP sequence variant interpretation guidelines (Richards et al. 2015 PMID: 25741868, with internal and published modifications).

NM_000059.4(BRCA2):c.631+26A>T

Gene: BRCA2 (BRCA2 DNA repair associated; plus strand). Cytogenetic location: 13q13.1.
Variant type: single nucleotide variant.
Coding change: c.631+26A>T on transcript NM_000059.4 (MANE Select); 26 bases into the intron after coding-DNA position 631, A replaced by T.
Molecular consequence: intron variant.
Genome position (GRCh38, 1-based): chr13:32,326,639, A>T. VCF-style: chr13-32326639-A-T. GRCh37 (hg19) VCF-style: chr13-32900776-A-T.
Other names: c.631+26A>T (NM_000059.3).
Identifiers: ClinVar variation 993933 (VCV000993933.10), dbSNP rs763209547, ClinGen allele CA6940404.
Genomic context (GRCh38, chr13:32,326,639, plus strand): 5'-TACACCACCCACCCTTAGTTCTACTGTGCTCATAGGTAATAATAGCAAATGTGTATTTAC[A>T]AGAAAGAGCAGATGAGGTTGATAATTGTCATCTCTAATACTTCTGTTAAAAGGAAATATG-3'